The following is an entry in ClinVar:

ClinVar aggregate classification (germline): Uncertain significance (1 of 4 stars; one submission).

Submission:

GeneDx
Classification: Uncertain significance. Last evaluated: 2024-03-08. Review status: criteria provided, single submitter. Criteria: GeneDx Variant Classification Process June 2021. Collection method: clinical testing. Allele origin: germline. Affected: yes.
Comment: Not observed at significant frequency in large population cohorts (gnomAD); In silico analysis supports that this missense variant does not alter protein structure/function; Has not been previously published as pathogenic or benign to our knowledge

NM_001004311.3(FIGLA):c.127G>C (p.Val43Leu)

Gene: FIGLA (folliculogenesis specific bHLH transcription factor; minus strand). Cytogenetic location: 2p13.3.
Variant type: single nucleotide variant.
Coding change: c.127G>C on transcript NM_001004311.3 (MANE Select); coding-DNA position 127, G replaced by C.
Protein change: p.Val43Leu; replaces valine 43 with leucine.
Molecular consequence: missense variant.
Genome position (GRCh38, 1-based): chr2:70,790,512, C>G on the plus strand (G>C on the coding strand, the complement: FIGLA is on the minus strand). VCF-style: chr2-70790512-C-G. GRCh37 (hg19) VCF-style: chr2-71017644-C-G.
Other names: short protein forms V43L.
Identifiers: ClinVar variation 3369805 (VCV003369805.1).